The following is an entry in ClinVar:

ClinVar aggregate classification (germline): Uncertain significance. Review status: criteria provided, multiple submitters, no conflicts (2 of 4 stars). 2 submissions from 2 submitters: Uncertain significance (2). Last evaluated 2025-01-19.

Conditions:
Inborn genetic diseases. Identifiers: MedGen C0950123, MeSH D030342.

gnomAD v4.1: 14 of 1,613,920 alleles (0.00087%); highest among the groups gnomAD compares: Admixed American, 0.012%; no homozygotes.

Submissions (2):

Labcorp Genetics (formerly Invitae), Labcorp
Classification: Uncertain significance. Last evaluated: 2025-01-19. Review status: criteria provided, single submitter. Criteria: Invitae Variant Classification Sherloc (09022015). Collection method: clinical testing. Allele origin: germline.
Comment: This sequence change replaces proline, which is neutral and non-polar, with serine, which is neutral and polar, at codon 999 of the INPPL1 protein (p.Pro999Ser). This variant is present in population databases (rs751157413, gnomAD 0.02%). This variant has not been reported in the literature in individuals affected with INPPL1-related conditions. An algorithm developed to predict the effect of missense changes on protein structure and function (PolyPhen-2) suggests that this variant is likely to be tolerated. In summary, the available evidence is currently insufficient to determine the role of this variant in disease. Therefore, it has been classified as a Variant of Uncertain Significance.

Ambry Genetics
Classification: Uncertain significance for Inborn genetic diseases. Last evaluated: 2025-01-08. Review status: criteria provided, single submitter. Criteria: Ambry Variant Classification Scheme 2023. Collection method: clinical testing. Allele origin: germline.

NM_001567.4(INPPL1):c.2995C>T (p.Pro999Ser)

Gene: INPPL1 (inositol polyphosphate phosphatase like 1; plus strand). Cytogenetic location: 11q13.4.
Variant type: single nucleotide variant.
Coding change: c.2995C>T on transcript NM_001567.4 (MANE Select); coding-DNA position 2995, C replaced by T.
Protein change: p.Pro999Ser; replaces proline 999 with serine.
Molecular consequence: missense variant.
Genome position (GRCh38, 1-based): chr11:72,237,239, C>T. VCF-style: chr11-72237239-C-T. GRCh37 (hg19) VCF-style: chr11-71948283-C-T.
Other names: c.2995C>T (NM_001567.3); short protein forms P999S.
Identifiers: ClinVar variation 3718994 (VCV003718994.3).